The following is an entry in ClinVar:

ClinVar aggregate classification (germline): Uncertain significance (1 of 4 stars; one submission).

Conditions:
Cardiovascular phenotype. Identifiers: MedGen CN230736.

Submission:

Ambry Genetics
Classification: Uncertain significance for Cardiovascular phenotype. Last evaluated: 2025-02-27. Review status: criteria provided, single submitter. Criteria: Ambry Variant Classification Scheme 2023. Collection method: clinical testing. Allele origin: germline.
Comment: The c.2715_2720delGATCCT (p.I906_L907del) alteration, located in coding exon 20 of the CACNA1C gene, results from an in-frame deletion of 6 nucleotides at positions c.2715 to c.2720. This results in the deletion of 2 amino acids between codons 906 and 907. This variant was not reported in population-based cohorts in the Genome Aggregation Database (gnomAD). These amino acid positions are highly conserved in available vertebrate species. This alteration is predicted to be deleterious by in silico analysis (Choi, 2012). Based on insufficient or conflicting evidence, the clinical significance of this alteration remains unclear.

NM_000719.7(CACNA1C):c.2715_2720del (p.Ile906_Leu907del)

Gene: CACNA1C (calcium voltage-gated channel subunit alpha1 C; plus strand). Cytogenetic location: 12p13.33.
Variant type: Deletion.
Coding change: c.2715_2720del on transcript NM_000719.7 (MANE Select); coding-DNA positions 2715 to 2720, 6 bases deleted (GATCCT; older notation c.2715_2720delGATCCT).
Protein change: p.Ile906_Leu907del.
Molecular consequence: inframe deletion.
Genome position (GRCh38, 1-based): chr12:2,595,925-2,595,930, GATCCT deleted; deleting any 6 consecutive bases within chr12:2,595,922-2,595,930 gives the same sequence; the c. name uses the placement nearest the transcript's 3' end. VCF-style (leftmost placement, unchanged base first): chr12-2595921-ACCTGAT-A. GRCh37 (hg19) VCF-style: chr12-2705087-ACCTGAT-A.
Other names: c.2715_2720del, p.Ile906_Leu907del (NM_001129827.2, NM_001129829.2, NM_001129830.3 and 18 more transcripts); c.2706_2711del, p.Ile903_Leu904del (NM_001129844.2).
Identifiers: ClinVar variation 3826609 (VCV003826609.1).
Genomic context (GRCh38, chr12:2,595,921, plus strand): 5'-CTCTCCCGTACAGGTTTCGCCTCCAGTGCCACCGCATTGTCAATGACACGATCTTCACCA[ACCTGAT>A]CCTCTTCTTCATTCTGCTCAGCAGCATTTCCCTGGCTGCTGAGGACCCGGTCCAGCACAC-3'